The following is an entry in ClinVar:

NM_004415.4(DSP):c.4882_4886delinsTCTT (p.Arg1628fs)

Gene: DSP (desmoplakin; plus strand). Cytogenetic location: 6p24.3.
Variant type: Indel.
Coding change: c.4882_4886delinsTCTT on transcript NM_004415.4 (MANE Select); coding-DNA positions 4882 to 4886, AGGAG replaced by TCTT.
Protein change: p.Arg1628fs; shifts the reading frame from arginine 1628.
Molecular consequence: frameshift variant. On other transcripts: intron variant (2).
Genome position (GRCh38, 1-based): chr6:7,581,072-7,581,076, AGGAG replaced by TCTT. VCF-style: chr6-7581072-AGGAG-TCTT. GRCh37 (hg19) VCF-style: chr6-7581305-AGGAG-TCTT.
Other names: c.4050+832_4050+836delinsTCTT (NM_001319034.2); c.3582+1300_3582+1304delinsTCTT (NM_001008844.3); short protein forms R1628fs.
Identifiers: ClinVar variation 2949694 (VCV002949694.3), dbSNP rs1554108410, ClinGen allele CA2740090884.

ClinVar aggregate classification (germline): Pathogenic (1 of 4 stars; one submission).

Conditions:
Arrhythmogenic cardiomyopathy with wooly hair and keratoderma. Also called: Dilated cardiomyopathy with woolly hair and keratoderma; PALMOPLANTAR KERATODERMA WITH LEFT VENTRICULAR CARDIOMYOPATHY AND WOOLLY HAIR; Carvajal syndrome; Arrhythmogenic cardiomyopathy with woolly hair and keratoderma. Identifiers: Orphanet 65282, MedGen C1854063, MONDO:0011581, OMIM 605676.
Arrhythmogenic right ventricular dysplasia 8 (ARVD8). Also called: Arrhythmogenic Right Ventricular Dysplasia/Cardiomyopathy 8; ARRHYTHMOGENIC RIGHT VENTRICULAR DYSPLASIA, FAMILIAL, 8; ARRHYTHMOGENIC RIGHT VENTRICULAR CARDIOMYOPATHY 8. Identifiers: MedGen C1843896, MONDO:0011831, OMIM 607450.

Submission:

Labcorp Genetics (formerly Invitae), Labcorp
Classification: Pathogenic for Arrhythmogenic cardiomyopathy with wooly hair and keratoderma; Arrhythmogenic right ventricular dysplasia 8. Last evaluated: 2017-09-28. Review status: criteria provided, single submitter. Criteria: Invitae Variant Classification Sherloc (09022015). Collection method: clinical testing. Allele origin: germline.
Comment: For these reasons, this variant has been classified as Pathogenic. Loss-of-function variants in DSP are known to be pathogenic (PMID: 20716751, 24503780, 25227139). This variant has not been reported in the literature in individuals with DSP-related disease. This variant is not present in population databases (ExAC no frequency). This sequence change creates a premature translational stop signal (p.Arg1628Phefs*17) in the DSP gene. It is expected to result in an absent or disrupted protein product.

Literature cited by the submitters: PubMed 20716751; PubMed 24503780; PubMed 25227139.